The following is an entry in ClinVar:

NM_001005361.3(DNM2):c.386-173G>T

Gene: DNM2 (dynamin 2; plus strand). Cytogenetic location: 19p13.2.
Variant type: single nucleotide variant.
Coding change: c.386-173G>T on transcript NM_001005361.3 (MANE Select); 173 bases into the intron before coding-DNA position 386, G replaced by T.
Molecular consequence: intron variant.
Genome position (GRCh38, 1-based): chr19:10,775,530, G>T. VCF-style: chr19-10775530-G-T. GRCh37 (hg19) VCF-style: chr19-10886206-G-T.
Other names: c.386-173G>T (NM_001005360.3, NM_001190716.2, NM_004945.4 and 1 more transcripts).
Identifiers: ClinVar variation 679310 (VCV000679310.1), dbSNP rs4804528, ClinGen allele CA14670385.

ClinVar aggregate classification (germline): Benign (1 of 4 stars; one submission).

Allele frequency attached by ClinVar (database versions not stated): 1000 Genomes Project 30x 0.25297; 1000 Genomes Project 0.25779; TOPMed 0.30919; gnomAD 0.32097 and 0.32115.
gnomAD v4.1: 48,969 of 152,040 alleles (32%); highest among the groups gnomAD compares: Middle Eastern, 47%; 8,952 homozygotes.

Submission:

GeneDx
Classification: Benign. Last evaluated: 2018-06-14. Review status: criteria provided, single submitter. Criteria: GeneDx Variant Classification (06012015). Collection method: clinical testing. Allele origin: germline. Affected: yes.
Comment: This variant is considered likely benign or benign based on one or more of the following criteria: it is a conservative change, it occurs at a poorly conserved position in the protein, it is predicted to be benign by multiple in silico algorithms, and/or has population frequency not consistent with disease.